The following is an entry in ClinVar:

ClinVar aggregate classification (germline): Conflicting classifications of pathogenicity. Review status: criteria provided, conflicting classifications (1 of 4 stars). 2 submissions from 2 submitters: Uncertain significance (1); Benign (1). Last evaluated 2023-02-10.

Conditions:
Catecholaminergic polymorphic ventricular tachycardia (CVPT). Also called: Catecholamine-induced polymorphic ventricular tachycardia. Identifiers: Orphanet 3286, MedGen C5574922, MONDO:0017990.

Allele frequency attached by ClinVar (database versions not stated): TOPMed below 0.00001.

Submissions (2):

All of Us Research Program, National Institutes of Health
Classification: Uncertain significance for Catecholaminergic polymorphic ventricular tachycardia. Last evaluated: 2023-02-10. Review status: criteria provided, single submitter. Criteria: ACMG Guidelines, 2015. Collection method: clinical testing. Allele origin: germline. Inheritance: Autosomal dominant inheritance. Observed: 1 variant allele, 1 heterozygote.
Comment: This study involves interpretation of variants in research participants for the purpose of population health screening. Participant phenotype was not available at the time of variant classification. Additional details can be found in publication PMID: 35346344, PMCID: PMC8962531

GeneDx
Classification: Benign. Last evaluated: 2015-03-03. Review status: criteria provided, single submitter. Criteria: GeneDx Variant Classification Process June 2021. Collection method: clinical testing. Allele origin: germline. Affected: yes.

NM_001035.3(RYR2):c.8164A>G (p.Asn2722Asp)

Gene: RYR2 (ryanodine receptor 2; plus strand). Cytogenetic location: 1q43.
Variant type: single nucleotide variant.
Coding change: c.8164A>G on transcript NM_001035.3 (MANE Select); coding-DNA position 8164, A replaced by G.
Protein change: p.Asn2722Asp; replaces asparagine 2722 with aspartic acid.
Molecular consequence: missense variant.
Genome position (GRCh38, 1-based): chr1:237,657,978, A>G. VCF-style: chr1-237657978-A-G. GRCh37 (hg19) VCF-style: chr1-237821278-A-G.
Other names: short protein forms N2722D.
Identifiers: ClinVar variation 1246624 (VCV001246624.3), dbSNP rs1683415081, ClinGen allele CA345401183.
Genomic context (GRCh38, chr1:237,657,978, plus strand): 5'-CTCTTTTGTCTTTACTTTTCTCATAGTATTACAATTCCTGAGAAATTGGAATACTTCATT[A>G]ACAAATATGCAGAACACTCCCATGACAAATGGTCAATGGACAAGGTAAAAAGAGTATTAC-3'
Protein context (NP_001026.2, residues 2712-2732): TIPEKLEYFI[Asn2722Asp]KYAEHSHDKW